The following is an entry in ClinVar:

ClinVar aggregate classification (germline): Uncertain significance (1 of 4 stars; one submission).

Allele frequency attached by ClinVar (database versions not stated): gnomAD exomes below 0.00001.
gnomAD v4.1: 4 of 1,613,862 alleles (0.00025%); highest among the groups gnomAD compares: Non-Finnish European, 0.00034%; no homozygotes.

Submission:

Ambry Genetics
Classification: Uncertain significance. Last evaluated: 2023-12-11. Review status: criteria provided, single submitter. Criteria: Ambry Variant Classification Scheme 2023. Collection method: clinical testing. Allele origin: germline.
Comment: The p.I1168T variant (also known as c.3503T>C), located in coding exon 16 of the POLQ gene, results from a T to C substitution at nucleotide position 3503. The isoleucine at codon 1168 is replaced by threonine, an amino acid with similar properties. This amino acid position is conserved. In addition, this alteration is predicted to be tolerated by in silico analysis. Since supporting evidence is limited at this time, the clinical significance of this alteration remains unclear.

NM_199420.4(POLQ):c.3503T>C (p.Ile1168Thr)

Gene: POLQ (DNA polymerase theta; minus strand). Cytogenetic location: 3q13.33.
Variant type: single nucleotide variant.
Coding change: c.3503T>C on transcript NM_199420.4 (MANE Select); coding-DNA position 3503, T replaced by C.
Protein change: p.Ile1168Thr; replaces isoleucine 1168 with threonine.
Molecular consequence: missense variant.
Genome position (GRCh38, 1-based): chr3:121,489,428, A>G on the plus strand (T>C on the coding strand, the complement: POLQ is on the minus strand). VCF-style: chr3-121489428-A-G. GRCh37 (hg19) VCF-style: chr3-121208275-A-G.
Other names: short protein forms I1168T.
Identifiers: ClinVar variation 3229943 (VCV003229943.1), dbSNP rs1376864025, ClinGen allele CA354099614.
Genomic context (GRCh38, chr3:121,489,428, plus strand): 5'-TCATGGTGTTTCATATAAACATTCTGGTTTTTTGAACCATTTTGTATCAGCACTTCATTT[A>G]TTTTTTCTGCCTCAACAGCTACTCCTCTGCCCTTTTCACTAACCACACTAGTGGCCTGAC-3'
Protein context (NP_955452.3, residues 1158-1178): GRGVAVEAEK[Ile1168Thr]NEVLIQNGSK